The following is an entry in ClinVar:

NM_019066.5(MAGEL2):c.2930G>A (p.Arg977Lys)

Gene: MAGEL2 (MAGE family member L2; minus strand). Cytogenetic location: 15q11.2.
Variant type: single nucleotide variant.
Coding change: c.2930G>A on transcript NM_019066.5 (MANE Select); coding-DNA position 2930, G replaced by A.
Protein change: p.Arg977Lys; replaces arginine 977 with lysine.
Molecular consequence: missense variant.
Genome position (GRCh38, 1-based): chr15:23,644,813, C>T on the plus strand (G>A on the coding strand, the complement: MAGEL2 is on the minus strand). VCF-style: chr15-23644813-C-T. GRCh37 (hg19) VCF-style: chr15-23889960-C-T.
Other names: c.2930G>A (NM_019066.4); short protein forms R977K.
Identifiers: ClinVar variation 2963476 (VCV002963476.6), dbSNP rs1182473311, ClinGen allele CA391326870.
Genomic context (GRCh38, chr15:23,644,813, plus strand): 5'-GCGACCTCAGACACAACTACGGGCAGAGAGCTCCCTGGGCTTTCAGAGAGACCCAGGGCC[C>T]TGGAGGTGCTCGGGCCCTCCCAGGCACTCAGGGCCCAGGATGCGCTGGGCCCTTCCCAGC-3'
Protein context (NP_061939.3, residues 967-987): LSAWEGPSTS[Arg977Lys]ALGLSESPGS

ClinVar aggregate classification (germline): Uncertain significance. Review status: criteria provided, multiple submitters, no conflicts (2 of 4 stars). 3 submissions from 3 submitters: Uncertain significance (2). 1 of the submissions does not count toward it. Last evaluated 2024-01-30.

Conditions:
MAGEL2-related disorder. Also called: MAGEL2-related condition.
Inborn genetic diseases. Identifiers: MedGen C0950123, MeSH D030342.

Allele frequency attached by ClinVar (database versions not stated): gnomAD exomes 0.00001; gnomAD 0.00003; TOPMed 0.00003.

Submissions (3):

Ambry Genetics
Classification: Uncertain significance for Inborn genetic diseases. Last evaluated: 2024-01-30. Review status: criteria provided, single submitter. Criteria: Ambry Variant Classification Scheme 2023. Collection method: clinical testing. Allele origin: germline.

Labcorp Genetics (formerly Invitae), Labcorp
Classification: Uncertain significance. Last evaluated: 2024-01-24. Review status: criteria provided, single submitter. Criteria: Invitae Variant Classification Sherloc (09022015). Collection method: clinical testing. Allele origin: germline.
Comment: This sequence change replaces arginine, which is basic and polar, with lysine, which is basic and polar, at codon 977 of the MAGEL2 protein (p.Arg977Lys). This variant is present in population databases (no rsID available, gnomAD 0.002%). This missense change has been observed in individual(s) with clinical features of MAGEL2-related conditions (Invitae). Advanced modeling of protein sequence and biophysical properties (such as structural, functional, and spatial information, amino acid conservation, physicochemical variation, residue mobility, and thermodynamic stability) performed at Invitae indicates that this missense variant is not expected to disrupt MAGEL2 protein function with a negative predictive value of 80%. In summary, the available evidence is currently insufficient to determine the role of this variant in disease. Therefore, it has been classified as a Variant of Uncertain Significance.

PreventionGenetics, part of Exact Sciences
Classification: Uncertain significance for MAGEL2-related condition. Last evaluated: 2024-07-09. Review status: no assertion criteria provided. Collection method: clinical testing. Allele origin: germline. Not counted in ClinVar's aggregate classification.
Comment: The MAGEL2 c.2930G>A variant is predicted to result in the amino acid substitution p.Arg977Lys. To our knowledge, this variant has not been reported in the literature. This variant is reported in 0.0024% of alleles in individuals of European (Non-Finnish) descent in gnomAD. At this time, the clinical significance of this variant is uncertain due to the absence of conclusive functional and genetic evidence.